The following is an entry in ClinVar:

ClinVar aggregate classification (germline): Uncertain significance. Review status: criteria provided, multiple submitters, no conflicts (2 of 4 stars). 5 submissions from 5 submitters: Uncertain significance (5). Last evaluated 2025-06-10.

Conditions:
RYR1-related disorder. Also called: RYR1-related disorders; RYR1-related condition. Identifiers: MedGen CN239331.
Malignant hyperthermia, susceptibility to, 1 (MHS1). Also called: Anesthesia related hyperthermia; Malignant hyperpyrexia; Fulminating hyperpyrexia; Pharmacogenic myopathy; RYR1-Related Malignant Hyperthermia Susceptibility; Malignant hyperthermia suceptibility 1. Identifiers: Orphanet 423, MedGen C2930980, MONDO:0007783, OMIM 145600.

Allele frequency attached by ClinVar (database versions not stated): gnomAD exomes below 0.00001; gnomAD 0.00001; TOPMed 0.00001; ExAC 0.00002.
gnomAD v4.1: 7 of 1,613,606 alleles (0.00043%); highest among the groups gnomAD compares: African/African-American, 0.0027%; no homozygotes.

Submissions (5):

Color Diagnostics, LLC DBA Color Health
Classification: Uncertain significance for Malignant hyperthermia, susceptibility to, 1. Last evaluated: 2025-06-10. Review status: criteria provided, single submitter. Criteria: ACMG Guidelines, 2015. Collection method: clinical testing. Allele origin: germline.
Comment: This missense variant replaces arginine with tryptophan at codon 1759 of the RYR1 protein. Computational prediction suggests that this variant may not impact protein structure and function. To our knowledge, functional studies have not been reported for this variant. This variant has not been reported in individuals affected with RYR1-related disorders in the literature. This variant has been identified in 3/276500 chromosomes in the general population by the Genome Aggregation Database (gnomAD). The available evidence is insufficient to determine the role of this variant in disease conclusively. Therefore, this variant is classified as a Variant of Uncertain Significance.

All of Us Research Program, National Institutes of Health
Classification: Uncertain significance for Malignant hyperthermia, susceptibility to, 1. Last evaluated: 2023-12-01. Review status: criteria provided, single submitter. Criteria: ACMG Guidelines, 2015. Collection method: clinical testing. Allele origin: germline. Inheritance: Autosomal dominant inheritance. Observed: 1 variant allele, 1 heterozygote.
Comment: This study involves interpretation of variants in research participants for the purpose of population health screening. Participant phenotype was not available at the time of variant classification. Additional details can be found in publication PMID: 35346344, PMCID: PMC8962531

Labcorp Genetics (formerly Invitae), Labcorp
Classification: Uncertain significance for RYR1-related disorder. Last evaluated: 2022-07-05. Review status: criteria provided, single submitter. Criteria: Invitae Variant Classification Sherloc (09022015). Collection method: clinical testing. Allele origin: germline.
Comment: In summary, the available evidence is currently insufficient to determine the role of this variant in disease. Therefore, it has been classified as a Variant of Uncertain Significance. Advanced modeling of protein sequence and biophysical properties (such as structural, functional, and spatial information, amino acid conservation, physicochemical variation, residue mobility, and thermodynamic stability) performed at Invitae indicates that this missense variant is not expected to disrupt RYR1 protein function. ClinVar contains an entry for this variant (Variation ID: 590555). This variant has not been reported in the literature in individuals affected with RYR1-related conditions. This variant is present in population databases (rs759566652, gnomAD 0.004%). This sequence change replaces arginine, which is basic and polar, with tryptophan, which is neutral and slightly polar, at codon 1759 of the RYR1 protein (p.Arg1759Trp).

Revvity Omics, Revvity
Classification: Uncertain significance. Last evaluated: 2019-03-07. Review status: criteria provided, single submitter. Criteria: ACMG Guidelines, 2015. Collection method: clinical testing. Allele origin: germline.

PreventionGenetics, part of Exact Sciences
Classification: Uncertain significance. Last evaluated: 2013-10-23. Review status: criteria provided, single submitter. Criteria: ACMG Guidelines, 2015. Collection method: clinical testing. Allele origin: germline.

NM_000540.3(RYR1):c.5275C>T (p.Arg1759Trp)

Gene: RYR1 (ryanodine receptor 1; plus strand). Cytogenetic location: 19q13.2.
Variant type: single nucleotide variant.
Coding change: c.5275C>T on transcript NM_000540.3 (MANE Select); coding-DNA position 5275, C replaced by T.
Protein change: p.Arg1759Trp; replaces arginine 1759 with tryptophan.
Molecular consequence: missense variant.
Genome position (GRCh38, 1-based): chr19:38,485,930, C>T. VCF-style: chr19-38485930-C-T. GRCh37 (hg19) VCF-style: chr19-38976570-C-T.
Other names: c.5275C>T, p.Arg1759Trp (NM_001042723.2); short protein forms R1759W.
Identifiers: ClinVar variation 590555 (VCV000590555.15), dbSNP rs759566652, ClinGen allele CA066837.